The following continues an entry in ClinVar:

NM_000059.4(BRCA2):c.7806-2A>G

Gene: BRCA2. ClinVar aggregate classification (germline): Pathogenic. Pathogenic (1).

Submissions 7 to 21 of 25:

Ambry Genetics
Classification: Pathogenic for Hereditary cancer-predisposing syndrome. Last evaluated: 2024-01-02. Review status: criteria provided, single submitter. Criteria: Ambry Variant Classification Scheme 2023. Collection method: clinical testing. Allele origin: germline. Not counted in ClinVar's aggregate classification.
Comment: The c.7806-2A>G intronic pathogenic mutation results from an A to G substitution two nucleotides upstream from coding exon 16 in the BRCA2 gene. This alteration has been reported in splicing studies from both minigene and RT-PCR from patient cells to result in multiple aberrant transcripts including a majority of transcripts derived from the use of a cryptic acceptor site 20 nucleotides downstream in exon 17 (coding exon 16) leading to a predicted frameshift (Krajc M et al. Eur. J. Hum. Genet. 2002 Dec;10:879-82; Houdayer C et al. Hum. Mutat. 2012 Aug;33:1228-38; Fraile-Bethencourt E et al. PLoS Genet. 2017 Mar;13(3):e1006691; Gelli E et al. Cancers (Basel) 2019 Mar;11; Ambry internal data). This alteration has been described as a Slovenian founder mutation and has been identified in hereditary breast and ovarian cancer patients, male breast cancer patients, and familial pancreatic cancer patients (Santarosa M et al. Int. J. Cancer. 1999 Sep;83:5-9; Krajc M et al. Eur. J. Hum. Genet. 2002 Dec;10:879-82; Miolo G et al. BMC Cancer. 2006 Jun;6:156; Murphy KM et al. Cancer Res. 2002 Jul;62:3789-93; Miolo G et al. BMC Cancer. 2006 Jun;6:156; Besic N et al. Genet. Test. 2008 Jun;12:203-9). In addition, a high ratio of breast cancer versus ovarian cancer (relative risk: 16.33) has been noted in families harboring this alteration (Krajc M et al. BMC Med. Genet. 2008;9:83). This alteration was classified as pathogenic in a multifactorial model of variant interpretation that incorporates co-segregation, family history, co-occurrence, tumor pathology, and case-control data (Parsons MT et al. Hum Mutat. 2019 Sep;40(9):1557-1578). Of note, this alteration is also designated as IVS16-2A>G in published literature. This variant is considered to be rare based on population cohorts in the Genome Aggregation Database (gnomAD). This nucleotide position is highly conserved in available vertebrate species. In silico splice site analysis predicts that this alteration will weaken the native splice acceptor site and will result in the creation or strengthening of a novel splice acceptor site. Based on the supporting evidence, this alteration is interpreted as a disease-causing mutation.

All of Us Research Program, National Institutes of Health
Classification: Pathogenic for Breast-ovarian cancer, familial, susceptibility to, 2. Last evaluated: 2023-12-18. Review status: criteria provided, single submitter. Criteria: ACMG Guidelines, 2015. Collection method: clinical testing. Allele origin: germline. Inheritance: Autosomal dominant inheritance. Observed: 3 variant alleles, 3 heterozygotes. Not counted in ClinVar's aggregate classification.
Comment: This variant causes an A to G nucleotide substitution at the -2 position of intron 16 of the BRCA2 gene. RNA studies have detected aberrant splicing products in carrier RNA (PMID: 10449599, 12461697, 22505045, 30832263) and in a minigene splicing assay (PMID: 28339459) that include out-of-frame and in-frame splicing products. To our knowledge, functional studies have not been reported for this variant. This variant has been reported in at least 10 individuals affected with breast and/or ovarian cancer and 1 individual affected with pancreatic cancer (PMID: 10449599, 12097290, 16764716, 18439106, 29470806, 33891299) and has a segregation likelihood ratio for pathogenicity of 7.1109 (PMID: 31131967). Haplotype analyses suggest that this variant is a founder mutation in Slovenia and Italy (PMID: 12461697, 18439106, 26852130). This variant has not been identified in the general population by the Genome Aggregation Database (gnomAD). Loss of BRCA2 function is a known mechanism of disease. Based on the available evidence, this variant is classified as Pathogenic.

This study involves interpretation of variants in research participants for the purpose of population health screening. Participant phenotype was not available at the time of variant classification. Additional details can be found in publication PMID: 35346344, PMCID: PMC8962531

Clinical Genetics Laboratory, Skane University Hospital Lund
Classification: Pathogenic. Last evaluated: 2023-05-15. Review status: criteria provided, single submitter. Criteria: ACMG Guidelines, 2015. Collection method: clinical testing. Allele origin: germline. Affected: yes. Not counted in ClinVar's aggregate classification.

Centre for Mendelian Genomics, University Medical Centre Ljubljana
Classification: Pathogenic for Breast-ovarian cancer, familial, susceptibility to, 2. Last evaluated: 2022-12-09. Review status: criteria provided, single submitter. Criteria: ACMG Guidelines, 2015. Collection method: research. Allele origin: germline. Affected: no. Not counted in ClinVar's aggregate classification.
Comment: PVS1, PS3, PS4_STR, PM2_SUP

Baylor Genetics
Classification: Pathogenic for Familial cancer of breast. Last evaluated: 2022-11-14. Review status: criteria provided, single submitter. Criteria: ACMG Guidelines, 2015. Collection method: clinical testing. Allele origin: unknown. Not counted in ClinVar's aggregate classification.

Sema4
Classification: Pathogenic for Hereditary cancer-predisposing syndrome. Last evaluated: 2022-02-10. Review status: criteria provided, single submitter. Criteria: Sema4 Curation Guidelines. Collection method: curation. Allele origin: germline. Not counted in ClinVar's aggregate classification.
Comment: The BRCA2 c.7806-2A>G variant has been reported in numerous individuals with female breast cancer, ovarian cancer, and male breast cancer (PMID: 10449599, 11802209, 12461697, 16764716, 18783588, 21232165, 29470806, 33891299, among other). It is considered a founder mutation in Slovenia (PMID: 12461697, 18783588) and is also known as IVS16-2A>G. This variant affects a nucleotide within a consensus splice site of an intron. Functional studies in minigene assays and patient cells have shown that this variant alters the splicing of BRCA2 (PMID: 10449599, 12461697, 22505045, 28339459, 30832263). This variant is not reported in the population database Genome Aggregation Database (PMID: 32461654) but is reported in ClinVar (Variation ID: 52418). Based on the current evidence available, this variant is interpreted as pathogenic.

GeneDx
Classification: Pathogenic. Last evaluated: 2022-02-02. Review status: criteria provided, single submitter. Criteria: GeneDx Variant Classification Process June 2021. Collection method: clinical testing. Allele origin: germline. Affected: yes. Not counted in ClinVar's aggregate classification.
Comment: Canonical splice site variant the produces multiple transcripts, leading to an abnormal message that is subject to nonsense-mediated mRNA decay or to an abnormal protein product (Santarosa 1999, Krajc 2002, Fraile-Bethencourt 2017, Gelli 2019); Observed in individuals with a personal or family history consistent with pathogenic variants in this gene, and is a founder variant in the Slovenian and North-Eastern Italian populations (Santarosa 1999, Krajc 2002, Marroni 2004, Besic 2008, Stegel 2011, Cini 2016); Not observed at significant frequency in large population cohorts (gnomAD); Truncating variants in this gene are considered pathogenic by a well-established clinical consortium and/or database; Also known as 8034-2A>G; This variant is associated with the following publications: (PMID: 19818148, 20104584, 26295337, 29907814, 12461697, 15340362, 22505045, 22923021, 25525159, 10449599, 10923033, 28339459, 24156927, 26852130, 22984553, 17301269, 16764716, 21232165, 18439106, 18783588, 23397983, 12097290, 24312913, 23199084, 25186627, 29470806, 29446198, 34399810, 33891299, 31131967, 12228710, 30832263, 30613976, 31360904)

CeGaT Center for Human Genetics Tuebingen
Classification: Pathogenic. Last evaluated: 2020-12-01. Review status: criteria provided, single submitter. Criteria: CeGaT Center For Human Genetics Tuebingen Variant Classification Criteria Version 2. Collection method: clinical testing. Allele origin: germline. Affected: yes. Observed: 1 variant allele. Not counted in ClinVar's aggregate classification.

Department of Molecular Diagnostics, Institute of Oncology Ljubljana
Classification: Pathogenic for Breast-ovarian cancer, familial, susceptibility to, 1. Last evaluated: 2020-04-02. Review status: criteria provided, single submitter. Criteria: ACMG Guidelines, 2015. Collection method: clinical testing. Allele origin: germline. Affected: yes. Not counted in ClinVar's aggregate classification.

Human Genome Sequencing Center Clinical Lab, Baylor College of Medicine
Classification: Pathogenic for Familial breast-ovarian cancer 2. Last evaluated: 2019-02-28. Review status: criteria provided, single submitter. Criteria: ACMG Guidelines, 2015. Collection method: clinical testing. Allele origin: germline. Not counted in ClinVar's aggregate classification.
Comment: This c.7806-2A>G variant in the BRCA2 gene disrupts the canonical splice donor site in intron 16 and is predicted to result in abnormal mRNA splicing. This variant is absent from large databases of genetic variation in the general population. This variant has been reported in multiple patients with breast, ovarian and pancreatic cancers (PMID 10449599, 12097290, 16764716, 18783588). Therefore, this c.7806-2A>G variant in the BRCA2 gene is classified as pathogenic.

Centre for Mendelian Genomics, University Medical Centre Ljubljana
Classification: Pathogenic for Ovarian neoplasm. Last evaluated: 2015-10-06. Review status: criteria provided, single submitter. Criteria: ACMG Guidelines, 2015. Collection method: clinical testing. Allele origin: unknown. Affected: yes. Not counted in ClinVar's aggregate classification.

Consortium of Investigators of Modifiers of BRCA1/2 (CIMBA), c/o University of Cambridge
Classification: Pathogenic for Breast-ovarian cancer, familial, susceptibility to, 2. Last evaluated: 2015-10-02. Review status: criteria provided, single submitter. Criteria: CIMBA Mutation Classification guidelines May 2016. Collection method: clinical testing. Allele origin: germline. Not counted in ClinVar's aggregate classification.

BRCAlab, Lund University
Classification: Pathogenic for Breast-ovarian cancer, familial, susceptibility to, 2. Last evaluated: 2022-08-26. Review status: no assertion criteria provided. Collection method: clinical testing. Allele origin: germline. Affected: yes. Not counted in ClinVar's aggregate classification.

Research Molecular Genetics Laboratory, Women's College Hospital, University of Toronto
Classification: Pathogenic for Hereditary breast ovarian cancer syndrome. Last evaluated: 2014-01-31. Review status: no assertion criteria provided. Collection method: research. Allele origin: germline. Affected: yes. Study: The Canadian Open Genetics Repository (COGR). Not counted in ClinVar's aggregate classification.

Sharing Clinical Reports Project (SCRP)
Classification: Likely pathogenic for Breast-ovarian cancer, familial 2. Last evaluated: 2007-08-10. Review status: no assertion criteria provided. Collection method: clinical testing. Allele origin: germline. Not counted in ClinVar's aggregate classification.